The following is an entry in ClinVar:

NM_017617.5(NOTCH1):c.3012G>A (p.Ser1004=)

Gene: NOTCH1 (notch receptor 1; minus strand). Cytogenetic location: 9q34.3.
Variant type: single nucleotide variant.
Coding change: c.3012G>A on transcript NM_017617.5 (MANE Select); coding-DNA position 3012, G replaced by A.
Protein change: p.Ser1004=; no amino-acid change (serine 1004 retained).
Molecular consequence: synonymous variant.
Genome position (GRCh38, 1-based): chr9:136,509,029, C>T on the plus strand (G>A on the coding strand, the complement: NOTCH1 is on the minus strand). VCF-style: chr9-136509029-C-T. GRCh37 (hg19) VCF-style: chr9-139403481-C-T.
Other names: c.3012G>A, p.Ser1004= (LRG_1122t1); c.3012G>A (NM_017617.4).
Identifiers: ClinVar variation 508334 (VCV000508334.41), dbSNP rs371301397, ClinGen allele CA5341069.

ClinVar aggregate classification (germline): Likely benign. Review status: criteria provided, multiple submitters, no conflicts (2 of 4 stars). 8 submissions from 7 submitters: Likely benign (7). 1 of the submissions does not count toward it. Last evaluated 2025-11-28.

Conditions:
Aortic valve disease 1 (AOVD1). Identifiers: MedGen C3887892, MONDO:0024523, OMIM 109730.
NOTCH1-related disorder. Also called: NOTCH1-related condition; NOTCH1-related disorders.
Adams-Oliver syndrome 5 (AOS5). Identifiers: Orphanet 974, MedGen C4014970, MONDO:0014459, OMIM 616028.
Familial thoracic aortic aneurysm and aortic dissection (TAAD). Also called: Thoracic aortic aneurysms and dissections. Identifiers: Orphanet 91387, MedGen C4707243, MONDO:0019625.

Allele frequency attached by ClinVar (database versions not stated): gnomAD exomes 0.00002 and 0.00005; gnomAD 0.00003; TOPMed 0.00006; ESP Exome Variant Server 0.00008; ExAC 0.00014.
gnomAD v4.1: 40 of 1,563,038 alleles (0.0026%); highest among the groups gnomAD compares: African/African-American, 0.012%; 1 homozygote.

Submissions (8):

Labcorp Genetics (formerly Invitae), Labcorp
Classification: Likely benign for Adams-Oliver syndrome 5. Last evaluated: 2025-11-28. Review status: criteria provided, single submitter. Criteria: Invitae Variant Classification Sherloc (09022015). Collection method: clinical testing. Allele origin: germline.

Blueprint Genetics
Classification: Likely benign. Last evaluated: 2024-11-04. Review status: criteria provided, single submitter. Criteria: ACMG Guidelines, 2015. Collection method: clinical testing. Allele origin: germline.

CeGaT Center for Human Genetics Tuebingen
Classification: Likely benign. Last evaluated: 2023-06-01. Review status: criteria provided, single submitter. Criteria: CeGaT Center For Human Genetics Tuebingen Variant Classification Criteria Version 2. Collection method: clinical testing. Allele origin: germline. Affected: yes. Observed: 1 variant allele.
Comment: NOTCH1: BP4, BP7

Ambry Genetics
Classification: Likely benign for Familial thoracic aortic aneurysm and aortic dissection. Last evaluated: 2023-02-19. Review status: criteria provided, single submitter. Criteria: Ambry Variant Classification Scheme 2023. Collection method: clinical testing. Allele origin: germline.

Genome-Nilou Lab
Classification: Likely benign for Adams-Oliver syndrome 5. Last evaluated: 2022-03-15. Review status: criteria provided, single submitter. Criteria: ACMG Guidelines, 2015. Collection method: clinical testing. Allele origin: germline. Affected: no.

Genome-Nilou Lab
Classification: Likely benign for Aortic valve disease 1. Last evaluated: 2022-03-15. Review status: criteria provided, single submitter. Criteria: ACMG Guidelines, 2015. Collection method: clinical testing. Allele origin: germline. Affected: no.

GeneDx
Classification: Likely benign. Last evaluated: 2017-03-22. Review status: criteria provided, single submitter. Criteria: GeneDx Variant Classification (06012015). Collection method: clinical testing. Allele origin: germline. Affected: yes.
Comment: This variant is considered likely benign or benign based on one or more of the following criteria: it is a conservative change, it occurs at a poorly conserved position in the protein, it is predicted to be benign by multiple in silico algorithms, and/or has population frequency not consistent with disease.

PreventionGenetics, part of Exact Sciences
Classification: Likely benign for NOTCH1-related condition. Last evaluated: 2019-04-02. Review status: no assertion criteria provided. Collection method: clinical testing. Allele origin: germline. Not counted in ClinVar's aggregate classification.
Comment: This variant is classified as likely benign based on ACMG/AMP sequence variant interpretation guidelines (Richards et al. 2015 PMID: 25741868, with internal and published modifications).